The following is an entry in ClinVar:

ClinVar aggregate classification (germline): Conflicting classifications of pathogenicity. Review status: criteria provided, conflicting classifications (1 of 4 stars). 2 submissions from 2 submitters: Pathogenic (1); Uncertain significance (1). Last evaluated 2024-04-26.

Submissions (2):

GeneDx
Classification: Uncertain significance. Last evaluated: 2024-04-26. Review status: criteria provided, single submitter. Criteria: GeneDx Variant Classification Process June 2021. Collection method: clinical testing. Allele origin: germline.
Comment: Frameshift variant predicted to result in protein truncation or nonsense mediated decay in a gene for which loss of function is a known mechanism of disease; Has not been previously published as pathogenic or benign to our knowledge

Labcorp Genetics (formerly Invitae), Labcorp
Classification: Pathogenic. Last evaluated: 2023-05-08. Review status: criteria provided, single submitter. Criteria: Invitae Variant Classification Sherloc (09022015). Collection method: clinical testing. Allele origin: germline.
Comment: For these reasons, this variant has been classified as Pathogenic. ClinVar contains an entry for this variant (Variation ID: 1680417). This variant has not been reported in the literature in individuals affected with RARS-related conditions. This variant is present in population databases (rs780133021, gnomAD 0.03%). This sequence change creates a premature translational stop signal (p.Ser276Ilefs*2) in the RARS gene. It is expected to result in an absent or disrupted protein product. Loss-of-function variants in RARS are known to be pathogenic (PMID: 24777941).

Literature cited by the submitters: PubMed 24777941 (cited by Labcorp Genetics (formerly Invitae), Labcorp).

NM_002887.4(RARS1):c.825dup (p.Ser276fs)

Gene: RARS1 (arginyl-tRNA synthetase 1; plus strand). Cytogenetic location: 5q34.
Variant type: Duplication.
Coding change: c.825dup on transcript NM_002887.4 (MANE Select); coding-DNA position 825, one base duplicated (A; older notation c.825dupA).
Protein change: p.Ser276fs; shifts the reading frame from serine 276.
Molecular consequence: frameshift variant.
Genome position (GRCh38, 1-based): chr5:168,500,593, A duplicated; the last of 2 consecutive A bases (chr5:168,500,592-168,500,593); duplicating either gives the same sequence. VCF-style (leftmost placement, unchanged base first): chr5-168500591-G-GA. GRCh37 (hg19) VCF-style: chr5-167927596-G-GA.
Other names: c.825dup (NM_002887.3); short protein forms S276fs.
Identifiers: ClinVar variation 1680417 (VCV001680417.8), dbSNP rs780133021, ClinGen allele CA3549745.